The following is an entry in ClinVar:

NM_002470.4(MYH3):c.1474C>T (p.His492Tyr)

Gene: MYH3 (myosin heavy chain 3; minus strand). Cytogenetic location: 17p13.1.
Variant type: single nucleotide variant.
Coding change: c.1474C>T on transcript NM_002470.4 (MANE Select); coding-DNA position 1474, C replaced by T.
Protein change: p.His492Tyr; replaces histidine 492 with tyrosine.
Molecular consequence: missense variant.
Genome position (GRCh38, 1-based): chr17:10,642,933, G>A on the plus strand (C>T on the coding strand, the complement: MYH3 is on the minus strand). VCF-style: chr17-10642933-G-A. GRCh37 (hg19) VCF-style: chr17-10546250-G-A.
Other names: short protein forms H492Y.
Identifiers: ClinVar variation 1216035 (VCV001216035.12), dbSNP rs145792814, ClinGen allele CA8392999.

ClinVar aggregate classification (germline): Uncertain significance. Review status: criteria provided, multiple submitters, no conflicts (2 of 4 stars). 2 submissions from 2 submitters: Uncertain significance (2). Last evaluated 2023-12-06.

Allele frequency attached by ClinVar (database versions not stated): gnomAD exomes 0.00001 and 0.00003; ExAC 0.00005; gnomAD 0.00012 and 0.00013; TOPMed 0.00014; ESP Exome Variant Server 0.00031.
gnomAD v4.1: 28 of 1,614,030 alleles (0.0017%); highest among the groups gnomAD compares: African/African-American, 0.037%; no homozygotes.

Submissions (2):

Labcorp Genetics (formerly Invitae), Labcorp
Classification: Uncertain significance. Last evaluated: 2023-12-06. Review status: criteria provided, single submitter. Criteria: Invitae Variant Classification Sherloc (09022015). Collection method: clinical testing. Allele origin: germline.
Comment: This sequence change replaces histidine, which is basic and polar, with tyrosine, which is neutral and polar, at codon 492 of the MYH3 protein (p.His492Tyr). This variant is present in population databases (rs145792814, gnomAD 0.03%). This variant has not been reported in the literature in individuals affected with MYH3-related conditions. ClinVar contains an entry for this variant (Variation ID: 1216035). Advanced modeling of protein sequence and biophysical properties (such as structural, functional, and spatial information, amino acid conservation, physicochemical variation, residue mobility, and thermodynamic stability) has been performed at Invitae for this missense variant, however the output from this modeling did not meet the statistical confidence thresholds required to predict the impact of this variant on MYH3 protein function. In summary, the available evidence is currently insufficient to determine the role of this variant in disease. Therefore, it has been classified as a Variant of Uncertain Significance.

GeneDx
Classification: Uncertain significance. Last evaluated: 2022-05-20. Review status: criteria provided, single submitter. Criteria: GeneDx Variant Classification Process June 2021. Collection method: clinical testing. Allele origin: germline. Affected: yes.
Comment: Has not been previously published as pathogenic or benign to our knowledge; In silico analysis, which includes protein predictors and evolutionary conservation, supports a deleterious effect